The following is an entry in ClinVar:

NM_000083.3(CLCN1):c.2864A>G (p.Glu955Gly)

Gene: CLCN1 (chloride voltage-gated channel 1; plus strand). Cytogenetic location: 7q34.
Variant type: single nucleotide variant.
Coding change: c.2864A>G on transcript NM_000083.3 (MANE Select); coding-DNA position 2864, A replaced by G.
Protein change: p.Glu955Gly; replaces glutamic acid 955 with glycine.
Molecular consequence: missense variant. On other transcripts: non-coding transcript variant (1).
Genome position (GRCh38, 1-based): chr7:143,351,862, A>G. VCF-style: chr7-143351862-A-G. GRCh37 (hg19) VCF-style: chr7-143048955-A-G.
Other names: short protein forms E955G.
Identifiers: ClinVar variation 1706231 (VCV001706231.2), dbSNP rs150796358, ClinGen allele CA168231747.

ClinVar aggregate classification (germline): Uncertain significance (1 of 4 stars; one submission).

gnomAD v4.1: 7 of 1,613,790 alleles (0.00043%); highest among the groups gnomAD compares: South Asian, 0.0066%; no homozygotes.

Submission:

GeneDx
Classification: Uncertain significance. Last evaluated: 2022-03-17. Review status: criteria provided, single submitter. Criteria: GeneDx Variant Classification Process June 2021. Collection method: clinical testing. Allele origin: germline. Affected: yes.
Comment: Not observed at significant frequency in large population cohorts (gnomAD); In silico analysis supports that this missense variant does not alter protein structure/function; Has not been previously published as pathogenic or benign to our knowledge